The following is an entry in ClinVar:

NM_031407.7(HUWE1):c.8636G>A (p.Ser2879Asn)

Gene: HUWE1 (HECT, UBA and WWE domain containing E3 ubiquitin protein ligase 1; minus strand). Cytogenetic location: Xp11.22.
Variant type: single nucleotide variant.
Coding change: c.8636G>A on transcript NM_031407.7 (MANE Select); coding-DNA position 8636, G replaced by A.
Protein change: p.Ser2879Asn; replaces serine 2879 with asparagine.
Molecular consequence: missense variant.
Genome position (GRCh38, 1-based): chrX:53,552,752, C>T on the plus strand (G>A on the coding strand, the complement: HUWE1 is on the minus strand). VCF-style: chrX-53552752-C-T. GRCh37 (hg19) VCF-style: chrX-53579713-C-T.
Other names: short protein forms S2879N.
Identifiers: ClinVar variation 1764119 (VCV001764119.4), dbSNP rs1556930459, ClinGen allele CA413146218.
Genomic context (GRCh38, chrX:53,552,752, plus strand): 5'-TCCGCCACAGCTGGTGGGGCATCCCCAGGAGTGGAGCTGCCTGCTCTGGGCTGCTCAGAA[C>T]TGCCAGCTGCTGAAGTGTCACCCACAGCCTCCTCTAAGGTACAGGAAGCCAGGCTGCTTG-3'
Protein context (NP_113584.3, residues 2869-2889): EAVGDTSAAG[Ser2879Asn]SEQPRAGSST

ClinVar aggregate classification (germline): Conflicting classifications of pathogenicity. Review status: criteria provided, conflicting classifications (1 of 4 stars). 2 submissions from 2 submitters: Uncertain significance (1); Likely benign (1). Last evaluated 2024-11-18.

Conditions:
Inborn genetic diseases. Identifiers: MedGen C0950123, MeSH D030342.

Allele frequency attached by ClinVar (database versions not stated): gnomAD 0.00001; gnomAD exomes 0.00001; TOPMed 0.00001.
gnomAD v4.1: 6 of 1,210,250 alleles (0.0005%); highest among the groups gnomAD compares: Admixed American, 0.0066%; no homozygotes.

Submissions (2):

Labcorp Genetics (formerly Invitae), Labcorp
Classification: Likely benign. Last evaluated: 2024-11-18. Review status: criteria provided, single submitter. Criteria: Invitae Variant Classification Sherloc (09022015). Collection method: clinical testing. Allele origin: germline.

Ambry Genetics
Classification: Uncertain significance for Inborn genetic diseases. Last evaluated: 2020-07-15. Review status: criteria provided, single submitter. Criteria: Ambry Variant Classification Scheme 2023. Collection method: clinical testing. Allele origin: germline.
Comment: The p.S2879N variant (also known as c.8636G>A), located in coding exon 59 of the HUWE1 gene, results from a G to A substitution at nucleotide position 8636. The serine at codon 2879 is replaced by asparagine, an amino acid with highly similar properties. This amino acid position is not well conserved in available vertebrate species, and asparagine is the reference amino acid in other vertebrate species. In addition, this alteration is predicted to be tolerated by in silico analysis. Based on data from gnomAD, the A allele has an overall frequency of <0.01% (4/182943) total alleles studied, including 1 hemizygote. The highest observed frequency was 0.01% (3/27412) of Latino alleles. Since supporting evidence is limited at this time, the clinical significance of this alteration remains unclear.